The following is an entry in ClinVar:

ClinVar aggregate classification (germline): Uncertain significance (1 of 4 stars; one submission).

Submission:

Labcorp Genetics (formerly Invitae), Labcorp
Classification: Uncertain significance. Last evaluated: 2022-04-19. Review status: criteria provided, single submitter. Criteria: Invitae Variant Classification Sherloc (09022015). Collection method: clinical testing. Allele origin: germline.
Comment: This sequence change replaces proline, which is neutral and non-polar, with arginine, which is basic and polar, at codon 2121 of the MYO18B protein (p.Pro2121Arg). This variant is not present in population databases (gnomAD no frequency). This variant has not been reported in the literature in individuals affected with MYO18B-related conditions. Algorithms developed to predict the effect of missense changes on protein structure and function are either unavailable or do not agree on the potential impact of this missense change (SIFT: "Not Available"; PolyPhen-2: "Possibly Damaging"; Align-GVGD: "Not Available"). In summary, the available evidence is currently insufficient to determine the role of this variant in disease. Therefore, it has been classified as a Variant of Uncertain Significance.

NM_032608.7(MYO18B):c.6362C>G (p.Pro2121Arg)

Gene: MYO18B (myosin XVIIIB; plus strand). Cytogenetic location: 22q12.1.
Variant type: single nucleotide variant.
Coding change: c.6362C>G on transcript NM_032608.7 (MANE Select); coding-DNA position 6362, C replaced by G.
Protein change: p.Pro2121Arg; replaces proline 2121 with arginine.
Molecular consequence: missense variant.
Genome position (GRCh38, 1-based): chr22:26,004,747, C>G. VCF-style: chr22-26004747-C-G. GRCh37 (hg19) VCF-style: chr22-26400713-C-G.
Other names: c.6365C>G, p.Pro2122Arg (NM_001318245.2); short protein forms P2121R, P2122R.
Identifiers: ClinVar variation 2126009 (VCV002126009.1), dbSNP rs2518322997, ClinGen allele CA411007062.
Genomic context (GRCh38, chr22:26,004,747, plus strand): 5'-GTGCTGATGGTGTCCTGCAATCTTATTCTAGGGATAACGTCTCCATCCTCAGCTCCCAGC[C>G]AGAGGGCAGCCTGCAGTCCTGGTTGAGCTGTACTCTGTCCCTGGCCACAGATACTATGAG-3'
Protein context (NP_115997.5, residues 2111-2131): MDNVSILSSQ[Pro2121Arg]EGSLQSWLSC